The following is an entry in ClinVar:

ClinVar aggregate classification (germline): Uncertain significance (1 of 4 stars; one submission).

gnomAD v4.1: 19 of 1,614,126 alleles (0.0012%); highest among the groups gnomAD compares: South Asian, 0.0077%; no homozygotes.

Submission:

Labcorp Genetics (formerly Invitae), Labcorp
Classification: Uncertain significance. Last evaluated: 2024-11-25. Review status: criteria provided, single submitter. Criteria: Invitae Variant Classification Sherloc (09022015). Collection method: clinical testing. Allele origin: germline.
Comment: This sequence change replaces threonine, which is neutral and polar, with methionine, which is neutral and non-polar, at codon 648 of the EGF protein (p.Thr648Met). This variant is present in population databases (rs576670693, gnomAD 0.01%). This variant has not been reported in the literature in individuals affected with EGF-related conditions. An algorithm developed to predict the effect of missense changes on protein structure and function (PolyPhen-2) suggests that this variant is likely to be disruptive. In summary, the available evidence is currently insufficient to determine the role of this variant in disease. Therefore, it has been classified as a Variant of Uncertain Significance.

NM_001963.6(EGF):c.1943C>T (p.Thr648Met)

Gene: EGF (epidermal growth factor; plus strand). Cytogenetic location: 4q25.
Variant type: single nucleotide variant.
Coding change: c.1943C>T on transcript NM_001963.6 (MANE Select); coding-DNA position 1943, C replaced by T.
Protein change: p.Thr648Met; replaces threonine 648 with methionine.
Molecular consequence: missense variant.
Genome position (GRCh38, 1-based): chr4:109,976,125, C>T. VCF-style: chr4-109976125-C-T. GRCh37 (hg19) VCF-style: chr4-110897281-C-T.
Other names: c.1943C>T, p.Thr648Met (NM_001178130.3); c.1817C>T, p.Thr606Met (NM_001178131.3, NM_001357021.2); short protein forms T606M, T648M.
Identifiers: ClinVar variation 3623326 (VCV003623326.2).